The following is an entry in ClinVar:

NM_133178.4(PTPRU):c.2428G>A (p.Glu810Lys)

Gene: PTPRU (protein tyrosine phosphatase receptor type U; plus strand). Cytogenetic location: 1p35.3.
Variant type: single nucleotide variant.
Coding change: c.2428G>A on transcript NM_133178.4 (MANE Select); coding-DNA position 2428, G replaced by A.
Protein change: p.Glu810Lys; replaces glutamic acid 810 with lysine.
Molecular consequence: missense variant.
Genome position (GRCh38, 1-based): chr1:29,291,978, G>A. VCF-style: chr1-29291978-G-A. GRCh37 (hg19) VCF-style: chr1-29618490-G-A.
Other names: c.2428G>A, p.Glu810Lys (NM_001195001.2, NM_133177.4); c.2458G>A, p.Glu820Lys (NM_005704.5); short protein forms E810K, E820K.
Identifiers: ClinVar variation 2634684 (VCV002634684.1), dbSNP rs149813959, ClinGen allele CA726659.

ClinVar aggregate classification (germline): Uncertain significance (1 of 4 stars; one submission).

Conditions:
PTPRU-related disorder. Also called: PTPRU-related condition.

Allele frequency attached by ClinVar (database versions not stated): ExAC 0.00014; ESP Exome Variant Server 0.00015; gnomAD 0.00015; 1000 Genomes Project 30x 0.00016; TOPMed 0.00016; 1000 Genomes Project 0.00020.
gnomAD v4.1: 222 of 1,614,184 alleles (0.014%); highest among the groups gnomAD compares: Middle Eastern, 0.016%; 1 homozygote.

Submission:

PreventionGenetics, part of Exact Sciences
Classification: Uncertain significance for PTPRU-related condition. Last evaluated: 2023-05-12. Review status: criteria provided, single submitter. Criteria: ACMG Guidelines, 2015. Collection method: clinical testing. Allele origin: germline.
Comment: The PTPRU c.2458G>A variant is predicted to result in the amino acid substitution p.Glu820Lys. To our knowledge, this variant has not been reported in the literature. This variant is reported in 0.017% of alleles in individuals of European (Non-Finnish) descent in gnomAD. At this time, the clinical significance of this variant is uncertain due to the absence of conclusive functional and genetic evidence.